The following is an entry in ClinVar:

ClinVar aggregate classification (germline): Uncertain significance (1 of 4 stars; one submission).

Allele frequency attached by ClinVar (database versions not stated): ExAC 0.00002; TOPMed 0.00002; gnomAD 0.00004.
gnomAD v4.1: 41 of 1,614,072 alleles (0.0025%); highest among the groups gnomAD compares: Middle Eastern, 0.016%; no homozygotes.

Submission:

Labcorp Genetics (formerly Invitae), Labcorp
Classification: Uncertain significance. Last evaluated: 2022-10-17. Review status: criteria provided, single submitter. Criteria: Invitae Variant Classification Sherloc (09022015). Collection method: clinical testing. Allele origin: germline.
Comment: In summary, the available evidence is currently insufficient to determine the role of this variant in disease. Therefore, it has been classified as a Variant of Uncertain Significance. Algorithms developed to predict the effect of missense changes on protein structure and function (SIFT, PolyPhen-2, Align-GVGD) all suggest that this variant is likely to be tolerated. This variant has not been reported in the literature in individuals affected with SLC4A4-related conditions. This variant is present in population databases (rs546158184, gnomAD 0.004%). This sequence change replaces phenylalanine, which is neutral and non-polar, with cysteine, which is neutral and slightly polar, at codon 24 of the SLC4A4 protein (p.Phe24Cys).

NM_003759.4(SLC4A4):c.71T>G (p.Phe24Cys)

Genes: SLC4A4 (solute carrier family 4 member 4; plus strand), LOC129992668 (ATAC-STARR-seq lymphoblastoid active region 21606; plus strand). Cytogenetic location: 4q13.3.
Variant type: single nucleotide variant.
Coding change: c.71T>G on transcript NM_003759.4 (MANE Plus Clinical); coding-DNA position 71, T replaced by G.
Protein change: p.Phe24Cys; replaces phenylalanine 24 with cysteine.
Molecular consequence: missense variant. On other transcripts: intron variant (2).
Genome position (GRCh38, 1-based): chr4:71,339,319, T>G. VCF-style: chr4-71339319-T-G. GRCh37 (hg19) VCF-style: chr4-72205036-T-G.
Other names: c.254-51T>G (NM_001134742.2, NM_001098484.3); short protein forms F24C.
Identifiers: ClinVar variation 2191567 (VCV002191567.4), dbSNP rs546158184, ClinGen allele CA2954517.
Genomic context (GRCh38, chr4:71,339,319, plus strand): 5'-AAAATGTGGAAGGGAAGCCCAGTAACCTTGGGGAGAGAGGAAGAGCCCGGAGCTCCACTT[T>G]CCTCAGGGTTGTCCAGCCAATGTTTAACCACAGTATTTTCACTTCTGCAGTCTCTCCTGC-3'
Protein context (NP_003750.1, residues 14-34): GERGRARSST[Phe24Cys]LRVVQPMFNH